The following is an entry in ClinVar:

NM_004168.4(SDHA):c.1908+5G>C

Gene: SDHA (succinate dehydrogenase complex flavoprotein subunit A; plus strand). Cytogenetic location: 5p15.33.
Variant type: single nucleotide variant.
Coding change: c.1908+5G>C on transcript NM_004168.4 (MANE Select); 5 bases into the intron after coding-DNA position 1908, G replaced by C.
Molecular consequence: intron variant.
Genome position (GRCh38, 1-based): chr5:254,511, G>C. VCF-style: chr5-254511-G-C. GRCh37 (hg19) VCF-style: chr5-254626-G-C.
Other names: c.1665+5G>C (NM_001330758.2); c.1764+5G>C (NM_001294332.2).
Identifiers: ClinVar variation 1446407 (VCV001446407.6), dbSNP rs759574062, ClinGen allele CA3173441.
Genomic context (GRCh38, chr5:254,511, plus strand): 5'-TTGAGGAGCACTGGAGGAAGCACACCCTGTCCTATGTGGACGTTGGCACTGGGAAGGTCA[G>C]TGTGGAGCTCGTTCTCACCACAGCCCAGCACCCACACGGCCCCGCCCAGGCCTGCGGGCT-3'

ClinVar aggregate classification (germline): Uncertain significance (1 of 4 stars; one submission).

Conditions:
Mitochondrial complex II deficiency, nuclear type 1. Also called: SUCCINATE CoQ REDUCTASE DEFICIENCY. Identifiers: Orphanet 3208, MedGen C5700310, MONDO:0100294, OMIM 252011.
Pheochromocytoma/paraganglioma syndrome 5. Also called: Paragangliomas 5; SDHA-Related Hereditary Paraganglioma-Pheochromocytoma Syndrome. Identifiers: Orphanet 29072, MedGen C3279992, MONDO:0013602, OMIM 614165.

Allele frequency attached by ClinVar (database versions not stated): gnomAD exomes 0.00001; ExAC 0.00005.

Submission:

Labcorp Genetics (formerly Invitae), Labcorp
Classification: Uncertain significance for Pheochromocytoma/paraganglioma syndrome 5; Mitochondrial complex II deficiency, nuclear type 1. Last evaluated: 2020-12-13. Review status: criteria provided, single submitter. Criteria: Invitae Variant Classification Sherloc (09022015). Collection method: clinical testing. Allele origin: germline.
Comment: Nucleotide substitutions within the consensus splice site are a relatively common cause of aberrant splicing (PMID: 17576681, 9536098). Algorithms developed to predict the effect of sequence changes on RNA splicing suggest that this variant may disrupt the consensus splice site, but this prediction has not been confirmed by published transcriptional studies. In summary, the available evidence is currently insufficient to determine the role of this variant in disease. Therefore, it has been classified as a Variant of Uncertain Significance. This variant has not been reported in the literature in individuals with SDHA-related conditions. This variant is present in population databases (rs759574062, ExAC 0.05%). This sequence change falls in intron 14 of the SDHA gene. It does not directly change the encoded amino acid sequence of the SDHA protein. It affects a nucleotide within the consensus splice site of the intron.

Literature cited by the submitters: PubMed 17576681; PubMed 9536098.